The following is an entry in ClinVar:

ClinVar aggregate classification (germline): Benign. Review status: criteria provided, multiple submitters, no conflicts (2 of 4 stars). 3 submissions from 3 submitters: Benign (2). 1 of the submissions does not count toward it. Last evaluated 2026-02-04.

Conditions:
Pyle metaphyseal dysplasia (PYL). Also called: Metaphyseal dysostosis; Pyle disease. Identifiers: Orphanet 3005, MedGen C0265294, MONDO:0009943, OMIM 265900.
SFRP4-related disorder. Also called: SFRP4-related condition.

Allele frequency attached by ClinVar (database versions not stated): 1000 Genomes Project 0.25300; TOPMed 0.24038; gnomAD exomes 0.20415 and 0.19802; ExAC 0.20314; gnomAD 0.24276 and 0.24674; 1000 Genomes Project 30x 0.25484; ESP Exome Variant Server 0.24250.
gnomAD v4.1: 334,897 of 1,611,698 alleles (21%); highest among the groups gnomAD compares: African/African-American, 35%; 36,456 homozygotes.

Submissions (3):

Labcorp Genetics (formerly Invitae), Labcorp
Classification: Benign. Last evaluated: 2026-02-04. Review status: criteria provided, single submitter. Criteria: Invitae Variant Classification Sherloc (09022015). Collection method: clinical testing. Allele origin: germline.

Genome-Nilou Lab
Classification: Benign for Pyle metaphyseal dysplasia. Last evaluated: 2021-07-15. Review status: criteria provided, single submitter. Criteria: ACMG Guidelines, 2015. Collection method: clinical testing. Allele origin: germline. Affected: no.

PreventionGenetics, part of Exact Sciences
Classification: Benign for SFRP4-related condition. Last evaluated: 2019-10-21. Review status: no assertion criteria provided. Collection method: clinical testing. Allele origin: germline. Not counted in ClinVar's aggregate classification.
Comment: This variant is classified as benign based on ACMG/AMP sequence variant interpretation guidelines (Richards et al. 2015 PMID: 25741868, with internal and published modifications).

NM_003014.4(SFRP4):c.1019G>A (p.Arg340Lys)

Gene: SFRP4 (secreted frizzled related protein 4; minus strand). Cytogenetic location: 7p14.1.
Variant type: single nucleotide variant.
Coding change: c.1019G>A on transcript NM_003014.4 (MANE Select); coding-DNA position 1019, G replaced by A.
Protein change: p.Arg340Lys; replaces arginine 340 with lysine.
Molecular consequence: missense variant.
Genome position (GRCh38, 1-based): chr7:37,907,501, C>T on the plus strand (G>A on the coding strand, the complement: SFRP4 is on the minus strand). VCF-style: chr7-37907501-C-T. GRCh37 (hg19) VCF-style: chr7-37947103-C-T.
Other names: c.1019G>A (NM_003014.3); short protein forms R340K.
Identifiers: ClinVar variation 1332946 (VCV001332946.12), dbSNP rs1802074, ClinGen allele CA4222656.